The following is an entry in ClinVar:

ClinVar aggregate classification (germline): Uncertain significance. Review status: criteria provided, multiple submitters, no conflicts (2 of 4 stars). 3 submissions from 3 submitters: Uncertain significance (3). Last evaluated 2025-12-03.

Conditions:
Hereditary cancer-predisposing syndrome. Also called: Hereditary Cancer Syndrome; Tumor predisposition; Hereditary neoplastic syndrome; Neoplastic Syndromes, Hereditary. Identifiers: Orphanet 140162, MedGen C0027672, MeSH D009386, MONDO:0015356.

Allele frequency attached by ClinVar (database versions not stated): gnomAD exomes below 0.00001 and 0.00001; TOPMed below 0.00001; ExAC 0.00001; gnomAD 0.00002.
gnomAD v4.1: 9 of 1,614,030 alleles (0.00056%); highest among the groups gnomAD compares: South Asian, 0.0099%; no homozygotes.

Submissions (3):

Labcorp Genetics (formerly Invitae), Labcorp
Classification: Uncertain significance. Last evaluated: 2025-12-03. Review status: criteria provided, single submitter. Criteria: Invitae Variant Classification Sherloc (09022015). Collection method: clinical testing. Allele origin: germline.
Comment: This sequence change replaces phenylalanine, which is neutral and non-polar, with leucine, which is neutral and non-polar, at codon 198 of the MSH3 protein (p.Phe198Leu). This variant is present in population databases (rs776590379, gnomAD 0.003%). This variant has not been reported in the literature in individuals affected with MSH3-related conditions. ClinVar contains an entry for this variant (Variation ID: 1054278). An algorithm developed to predict the effect of missense changes on protein structure and function outputs the following: PolyPhen-2: "Benign". The leucine amino acid residue is found in multiple mammalian species, which suggests that this missense change does not adversely affect protein function. In summary, the available evidence is currently insufficient to determine the role of this variant in disease. Therefore, it has been classified as a Variant of Uncertain Significance.

GeneDx
Classification: Uncertain significance. Last evaluated: 2024-04-22. Review status: criteria provided, single submitter. Criteria: GeneDx Variant Classification Process June 2021. Collection method: clinical testing. Allele origin: germline. Affected: yes.
Comment: Not observed at significant frequency in large population cohorts (gnomAD); In silico analysis indicates that this missense variant does not alter protein structure/function; Has not been previously published as pathogenic or benign to our knowledge

Ambry Genetics
Classification: Uncertain significance for Hereditary cancer-predisposing syndrome. Last evaluated: 2024-01-16. Review status: criteria provided, single submitter. Criteria: Ambry Variant Classification Scheme 2023. Collection method: clinical testing. Allele origin: germline.
Comment: The p.F198L variant (also known as c.594T>G), located in coding exon 4 of the MSH3 gene, results from a T to G substitution at nucleotide position 594. The phenylalanine at codon 198 is replaced by leucine, an amino acid with highly similar properties. This amino acid position is conserved. In addition, this alteration is predicted to be tolerated by in silico analysis. Since supporting evidence is limited at this time, the clinical significance of this alteration remains unclear.

NM_002439.5(MSH3):c.594T>G (p.Phe198Leu)

Gene: MSH3 (mutS homolog 3; plus strand). Cytogenetic location: 5q14.1.
Variant type: single nucleotide variant.
Coding change: c.594T>G on transcript NM_002439.5 (MANE Select); coding-DNA position 594, T replaced by G.
Protein change: p.Phe198Leu; replaces phenylalanine 198 with leucine.
Molecular consequence: missense variant.
Genome position (GRCh38, 1-based): chr5:80,670,111, T>G. VCF-style: chr5-80670111-T-G. GRCh37 (hg19) VCF-style: chr5-79965930-T-G.
Other names: c.594T>G (NM_002439.4); short protein forms F198L.
Identifiers: ClinVar variation 1054278 (VCV001054278.12), dbSNP rs776590379, ClinGen allele CA3327653.